The following is an entry in ClinVar:

ClinVar aggregate classification (germline): Benign (1 of 4 stars; one submission).

Allele frequency attached by ClinVar (database versions not stated): TOPMed 0.15457; gnomAD 0.15838; 1000 Genomes Project 30x 0.17364; 1000 Genomes Project 0.17971.
gnomAD v4.1: 248,790 of 1,433,278 alleles (17%); highest among the groups gnomAD compares: East Asian, 33%; 23,406 homozygotes.

Submission:

Unidad de Genómica Garrahan, Hospital de Pediatría Garrahan
Classification: Benign. Last evaluated: 2024-01-24. Review status: criteria provided, single submitter. Criteria: ACMG Guidelines, 2015. Collection method: clinical testing. Allele origin: germline. Affected: no. Observed: 41 variant alleles.
Comment: This variant is classified as Benign based on local population frequency. This variant was detected in 43% of patients studied by a panel of primary immunodeficiencies. Number of patients: 41. Only high quality variants are reported.

NM_001144958.2(CRACR2A):c.1736-68G>A

Gene: CRACR2A (calcium release activated channel regulator 2A; minus strand). Cytogenetic location: 12p13.32.
Variant type: single nucleotide variant.
Coding change: c.1736-68G>A on transcript NM_001144958.2 (MANE Select); 68 bases into the intron before coding-DNA position 1736, G replaced by A.
Molecular consequence: intron variant.
Genome position (GRCh38, 1-based): chr12:3,627,774, C>T on the plus strand (G>A on the coding strand, the complement: CRACR2A is on the minus strand). VCF-style: chr12-3627774-C-T. GRCh37 (hg19) VCF-style: chr12-3736940-C-T.
Identifiers: ClinVar variation 2688160 (VCV002688160.2), dbSNP rs17836183, ClinGen allele CA13751331.
Genomic context (GRCh38, chr12:3,627,774, plus strand): 5'-GTGAAATGGGCCTGTCAGGGCTGCCCTGGGCCAGGGGCACCTCACTTCCAAATCAGGAAA[C>T]AATGCTTCCAACATCTGAAATCACATCAGGCCCAAGGTGACAACCCTCCATGTGCAGCTC-3'